The following is an entry in ClinVar:

ClinVar aggregate classification (germline): Uncertain significance. Review status: criteria provided, multiple submitters, no conflicts (2 of 4 stars). 2 submissions from 2 submitters: Uncertain significance (2). Last evaluated 2025-11-21.

Conditions:
Cardiovascular phenotype. Identifiers: MedGen CN230736.
Primary dilated cardiomyopathy (DCM). Also called: Dilated Cardiomyopathy. Identifiers: Orphanet 217604, MedGen C0007193, MeSH D002311, MONDO:0005021, HP:0001644. Inheritance: Various modes of inheritance.

Allele frequency attached by ClinVar (database versions not stated): gnomAD exomes 0.00004 and 0.00006; ExAC 0.00007; ESP Exome Variant Server 0.00008; 1000 Genomes Project 0.00020; 1000 Genomes Project 30x 0.00031.
gnomAD v4.1: 63 of 1,609,492 alleles (0.0039%); highest among the groups gnomAD compares: Middle Eastern, 0.033%; no homozygotes.

Submissions (2):

Labcorp Genetics (formerly Invitae), Labcorp
Classification: Uncertain significance for Primary dilated cardiomyopathy. Last evaluated: 2025-11-21. Review status: criteria provided, single submitter. Criteria: Invitae Variant Classification Sherloc (09022015). Collection method: clinical testing. Allele origin: germline.
Comment: This sequence change replaces arginine, which is basic and polar, with glutamine, which is neutral and polar, at codon 364 of the TXNRD2 protein (p.Arg364Gln). This variant is present in population databases (rs199734322, gnomAD 0.03%). This variant has not been reported in the literature in individuals affected with TXNRD2-related conditions. ClinVar contains an entry for this variant (Variation ID: 572761). Invitae Evidence Modeling of protein sequence and biophysical properties (such as structural, functional, and spatial information, amino acid conservation, physicochemical variation, residue mobility, and thermodynamic stability) indicates that this missense variant is not expected to disrupt TXNRD2 protein function with a negative predictive value of 80%. In summary, the available evidence is currently insufficient to determine the role of this variant in disease. Therefore, it has been classified as a Variant of Uncertain Significance.

Ambry Genetics
Classification: Uncertain significance for Cardiovascular phenotype. Last evaluated: 2024-09-02. Review status: criteria provided, single submitter. Criteria: Ambry Variant Classification Scheme 2023. Collection method: clinical testing. Allele origin: germline.
Comment: The p.R364Q variant (also known as c.1091G>A), located in coding exon 13 of the TXNRD2 gene, results from a G to A substitution at nucleotide position 1091. The arginine at codon 364 is replaced by glutamine, an amino acid with highly similar properties. This amino acid position is highly conserved in available vertebrate species. In addition, this alteration is predicted to be tolerated by in silico analysis. Since supporting evidence is limited at this time, the clinical significance of this alteration remains unclear.

NM_006440.5(TXNRD2):c.1091G>A (p.Arg364Gln)

Gene: TXNRD2 (thioredoxin reductase 2; minus strand). Cytogenetic location: 22q11.21.
Variant type: single nucleotide variant.
Coding change: c.1091G>A on transcript NM_006440.5 (MANE Select); coding-DNA position 1091, G replaced by A.
Protein change: p.Arg364Gln; replaces arginine 364 with glutamine.
Molecular consequence: missense variant. On other transcripts: non-coding transcript variant (1).
Genome position (GRCh38, 1-based): chr22:19,880,713, C>T on the plus strand (G>A on the coding strand, the complement: TXNRD2 is on the minus strand). VCF-style: chr22-19880713-C-T. GRCh37 (hg19) VCF-style: chr22-19868236-C-T.
Other names: c.1088G>A, p.Arg363Gln (NM_001352300.2); c.1001G>A, p.Arg334Gln (NM_001352301.2); c.803G>A, p.Arg268Gln (NM_001352302.2); short protein forms R364Q, R363Q, R268Q, R334Q.
Identifiers: ClinVar variation 572761 (VCV000572761.14), dbSNP rs199734322, ClinGen allele CA10103807.